The following is an entry in ClinVar:

NM_007294.4(BRCA1):c.2302A>G (p.Ser768Gly)

Gene: BRCA1 (BRCA1 DNA repair associated; minus strand). Cytogenetic location: 17q21.31.
Variant type: single nucleotide variant.
Coding change: c.2302A>G on transcript NM_007294.4 (MANE Select); coding-DNA position 2302, A replaced by G.
Protein change: p.Ser768Gly; replaces serine 768 with glycine.
Molecular consequence: missense variant. On other transcripts: intron variant (137).
Genome position (GRCh38, 1-based): chr17:43,093,229, T>C on the plus strand (A>G on the coding strand, the complement: BRCA1 is on the minus strand). VCF-style: chr17-43093229-T-C. GRCh37 (hg19) VCF-style: chr17-41245246-T-C.
Other names: 2421A>G; c.2089A>G, p.Ser697Gly (NM_001407571.1, NM_001407894.1, NM_001407915.1 and 9 more transcripts); c.2302A>G, p.Ser768Gly (NM_001407581.1, NM_001407582.1, NM_001407583.1 and 30 more transcripts); c.2299A>G, p.Ser767Gly (NM_001407587.1, NM_001407590.1, NM_001407591.1 and 22 more transcripts); c.2224A>G, p.Ser742Gly (NM_001407656.1, NM_001407657.1, NM_001407658.1 and 4 more transcripts); c.2221A>G, p.Ser741Gly (NM_001407659.1, NM_001407660.1, NM_001407661.1 and 1 more transcripts); c.2179A>G, p.Ser727Gly (NM_001407664.1, NM_001407675.1, NM_001407676.1 and 19 more transcripts); c.2161A>G, p.Ser721Gly (NM_001407695.1, NM_001407696.1, NM_001407697.1 and 29 more transcripts); and 42 more; short protein forms S768G, S721G, S657G, S680G, S698G, S701G, S742G, S472G.
Identifiers: ClinVar variation 91583 (VCV000091583.31), dbSNP rs398122656, ClinGen allele CA001534.

ClinVar aggregate classification (germline): Conflicting classifications of pathogenicity. Review status: criteria provided, conflicting classifications (1 of 4 stars). 10 submissions from 10 submitters: Uncertain significance (7); Likely benign (2). 1 of the submissions does not count toward it. Last evaluated 2026-03-23.

Conditions:
BRCA1-related cancer predisposition. Identifiers: MedGen CN377757, MONDO:0700268.
Hereditary cancer-predisposing syndrome. Also called: Hereditary Cancer Syndrome; Hereditary neoplastic syndrome; Neoplastic Syndromes, Hereditary; Tumor predisposition. Identifiers: Orphanet 140162, MedGen C0027672, MeSH D009386, MONDO:0015356.
Hereditary breast ovarian cancer syndrome. Also called: BRCA1- and BRCA2-Associated Hereditary Breast and Ovarian Cancer; Hereditary breast and ovarian cancer syndrome; Hereditary breast and ovarian cancer syndrome (HBOC); Breast and ovarian cancer; Hereditary breast and/or ovarian cancer syndrome; Hereditary breast and ovarian cancer. Identifiers: Orphanet 145, MedGen C0677776, MeSH D061325, MONDO:0003582. Disease mechanism: loss of function.
Breast-ovarian cancer, familial, susceptibility to, 1 (BROVCA1). Also called: BRCA1 Hereditary Breast and Ovarian Cancer; OVARIAN CANCER, SUSCEPTIBILITY TO. Identifiers: Orphanet 145, MedGen C2676676, MONDO:0011450, OMIM 604370. Disease mechanism: loss of function.

gnomAD v4.1: 4 of 1,614,086 alleles (0.00025%); highest among the groups gnomAD compares: East Asian, 0.0067%; no homozygotes.

Submissions (10):

Women's Health and Genetics/Laboratory Corporation of America, LabCorp
Classification: Uncertain significance. Last evaluated: 2026-03-23. Review status: criteria provided, single submitter. Criteria: LabCorp Variant Classification Summary - May 2015. Collection method: clinical testing. Allele origin: germline.

Labcorp Genetics (formerly Invitae), Labcorp
Classification: Uncertain significance for Hereditary breast ovarian cancer syndrome. Last evaluated: 2025-10-01. Review status: criteria provided, single submitter. Criteria: Invitae Variant Classification Sherloc (09022015). Collection method: clinical testing. Allele origin: germline.
Comment: This sequence change replaces serine, which is neutral and polar, with glycine, which is neutral and non-polar, at codon 768 of the BRCA1 protein (p.Ser768Gly). This variant is not present in population databases (gnomAD no frequency). This variant has not been reported in the literature in individuals affected with BRCA1-related conditions. ClinVar contains an entry for this variant (Variation ID: 91583). Invitae Evidence Modeling of protein sequence and biophysical properties (such as structural, functional, and spatial information, amino acid conservation, physicochemical variation, residue mobility, and thermodynamic stability) indicates that this missense variant is not expected to disrupt BRCA1 protein function with a negative predictive value of 80%. In summary, the available evidence is currently insufficient to determine the role of this variant in disease. Therefore, it has been classified as a Variant of Uncertain Significance.

Quest Diagnostics Nichols Institute San Juan Capistrano
Classification: Uncertain significance. Last evaluated: 2025-09-03. Review status: criteria provided, single submitter. Criteria: Quest Diagnostics criteria. Collection method: clinical testing. Allele origin: unknown.
Comment: The BRCA1 c.2302A>G (p.Ser768Gly) variant has been reported in individuals who underwent genetic testing for hereditary cancer (PMID: 31853058 (2020)), and is described to be located in a region of the BRCA1 gene that is tolerant to missense sequence changes (PMID: 31911673 (2020)). This variant has not been reported in large, multi-ethnic general populations (Genome Aggregation Database). Analysis of this variant using bioinformatics tools for the prediction of the effect of amino acid changes on protein structure and function yielded predictions that this variant is benign. Based on the available information, we are unable to determine the clinical significance of this variant.

Ambry Genetics
Classification: Uncertain significance for Hereditary cancer-predisposing syndrome. Last evaluated: 2025-06-25. Review status: criteria provided, single submitter. Criteria: Ambry Variant Classification Scheme 2023. Collection method: clinical testing. Allele origin: germline.
Comment: The p.S768G variant (also known as c.2302A>G), located in coding exon 9 of the BRCA1 gene, results from an A to G substitution at nucleotide position 2302. The serine at codon 768 is replaced by glycine, an amino acid with similar properties. This amino acid position is poorly conserved in available vertebrate species. In addition, this alteration is predicted to be tolerated by in silico analysis. Since supporting evidence is limited at this time, the clinical significance of this alteration remains unclear.

All of Us Research Program, National Institutes of Health
Classification: Uncertain significance for BRCA1-related cancer predisposition. Last evaluated: 2024-07-20. Review status: criteria provided, single submitter. Criteria: ACMG Guidelines, 2015. Collection method: clinical testing. Allele origin: germline. Inheritance: Autosomal dominant inheritance. Observed: 2 variant alleles, 2 heterozygotes.
Comment: This missense variant replaces serine with glycine at codon 768 of the BRCA1 protein. Computational prediction suggests that this variant may not impact protein structure and function. To our knowledge, functional studies have not been reported for this variant. This variant has not been reported in individuals affected with BRCA1-related disorders in the literature. This variant has not been identified in the general population by the Genome Aggregation Database (gnomAD). The available evidence is insufficient to determine the role of this variant in disease conclusively. Therefore, this variant is classified as a Variant of Uncertain Significance.

This study involves interpretation of variants in research participants for the purpose of population health screening. Participant phenotype was not available at the time of variant classification. Additional details can be found in publication PMID: 35346344, PMCID: PMC8962531

Color Diagnostics, LLC DBA Color Health
Classification: Uncertain significance for Hereditary cancer-predisposing syndrome. Last evaluated: 2024-04-16. Review status: criteria provided, single submitter. Criteria: ACMG Guidelines, 2015. Collection method: clinical testing. Allele origin: germline.
Comment: This missense variant replaces serine with glycine at codon 768 of the BRCA1 protein. Computational prediction suggests that this variant may not impact protein structure and function. To our knowledge, functional studies have not been reported for this variant. This variant has not been reported in individuals affected with BRCA1-related disorders in the literature. This variant has not been identified in the general population by the Genome Aggregation Database (gnomAD). The available evidence is insufficient to determine the role of this variant in disease conclusively. Therefore, this variant is classified as a Variant of Uncertain Significance.

Myriad Genetics, Inc.
Classification: Likely benign for Breast-ovarian cancer, familial, susceptibility to, 1. Last evaluated: 2024-04-16. Review status: criteria provided, single submitter. Criteria: Myriad Autosomal Dominant, Autosomal Recessive and X-Linked Classification Criteria (2023). Collection method: clinical testing. Allele origin: unknown.
Comment: This variant is considered likely benign. This variant is strongly associated with less severe personal and family histories of cancer, typical for individuals without pathogenic variants in this gene [PMID: 25085752].

University of Washington Department of Laboratory Medicine, University of Washington
Classification: Likely benign for Hereditary cancer-predisposing syndrome. Last evaluated: 2023-03-23. Review status: criteria provided, single submitter. Criteria: Dines et al. (Genet Med. 2020). Collection method: curation. Allele origin: germline.
Comment: Missense variant in a coldspot region where missense variants are very unlikely to be pathogenic (PMID:31911673).

BRCA1 coldspot (exon 11 using historical exon numbering). Reclassification based on statistical prior probability

Institute for Clinical Genetics, University Hospital TU Dresden, University Hospital TU Dresden
Classification: Uncertain significance. Last evaluated: 2021-11-03. Review status: criteria provided, single submitter. Criteria: ACMG Guidelines, 2015. Collection method: clinical testing. Allele origin: germline.

Sharing Clinical Reports Project (SCRP)
Classification: Uncertain significance for Breast-ovarian cancer, familial 1. Last evaluated: 2009-01-09. Review status: no assertion criteria provided. Collection method: clinical testing. Allele origin: germline. Not counted in ClinVar's aggregate classification.

Literature cited by the submitters: PubMed 31853058 (cited by Quest Diagnostics Nichols Institute San Juan Capistrano); PubMed 31911673 (cited by Quest Diagnostics Nichols Institute San Juan Capistrano); PubMed 25085752 (cited by Myriad Genetics, Inc.).